The following is an entry in ClinVar:

NM_007194.4(CHEK2):c.869del (p.Asn290fs)

Gene: CHEK2 (checkpoint kinase 2; minus strand). Cytogenetic location: 22q12.1.
Variant type: Deletion.
Coding change: c.869del on transcript NM_007194.4 (MANE Select); coding-DNA position 869, one base deleted (A; older notation c.869delA).
Protein change: p.Asn290fs; shifts the reading frame from asparagine 290.
Molecular consequence: frameshift variant.
Genome position (GRCh38, 1-based): chr22:28,703,544, T deleted on the plus strand (A on the coding strand, the reverse complement: CHEK2 is on the minus strand); the first of 5 consecutive T bases (chr22:28,703,544-28,703,548); deleting any one gives the same sequence. VCF-style (leftmost placement, unchanged base first): chr22-28703543-GT-G. GRCh37 (hg19) VCF-style: chr22-29099531-GT-G.
Other names: c.994delA, p.Asn333Thrfs (NM_001005735.3); c.202delA, p.Asn69Thrfs (NM_001257387.3); c.664delA, p.Asn223Thrfs (NM_001349956.3); c.865delA, p.Asn290Thrfs (NM_145862.3); short protein forms N333fs, N69fs, N290fs, N223fs.
Identifiers: ClinVar variation 569149 (VCV000569149.13), dbSNP rs1422634212, ClinGen allele CA752173488.

ClinVar aggregate classification (germline): Pathogenic. Review status: criteria provided, multiple submitters, no conflicts (2 of 4 stars). 3 submissions from 3 submitters: Pathogenic (3). Last evaluated 2025-02-17.

Conditions:
Hereditary cancer-predisposing syndrome. Also called: Hereditary neoplastic syndrome; Tumor predisposition; Neoplastic Syndromes, Hereditary; Hereditary Cancer Syndrome. Identifiers: Orphanet 140162, MedGen C0027672, MeSH D009386, MONDO:0015356.
Familial cancer of breast. Also called: hereditary breast carcinoma; BREAST CANCER, FAMILIAL; Hereditary breast cancer. Identifiers: Orphanet 227535, MedGen C0346153, MONDO:0016419, OMIM 114480. Disease mechanism: loss of function.

Submissions (3):

Labcorp Genetics (formerly Invitae), Labcorp
Classification: Pathogenic for Familial cancer of breast. Last evaluated: 2025-02-17. Review status: criteria provided, single submitter. Criteria: Invitae Variant Classification Sherloc (09022015). Collection method: clinical testing. Allele origin: germline.
Comment: This sequence change creates a premature translational stop signal (p.Asn290Thrfs*14) in the CHEK2 gene. It is expected to result in an absent or disrupted protein product. Loss-of-function variants in CHEK2 are known to be pathogenic (PMID: 21876083, 24713400). This variant is not present in population databases (gnomAD no frequency). This premature translational stop signal has been observed in individual(s) with personal and family history of prostate cancer (PMID: 24556621). ClinVar contains an entry for this variant (Variation ID: 569149). Algorithms developed to predict the effect of sequence changes on RNA splicing suggest that this variant may disrupt the consensus splice site. For these reasons, this variant has been classified as Pathogenic.

Ambry Genetics
Classification: Pathogenic for Hereditary cancer-predisposing syndrome. Last evaluated: 2024-02-02. Review status: criteria provided, single submitter. Criteria: Ambry Variant Classification Scheme 2023. Collection method: clinical testing. Allele origin: germline.
Comment: The c.869delA pathogenic mutation, located in coding exon 7 of the CHEK2 gene, results from a deletion of one nucleotide at nucleotide position 869, causing a translational frameshift with a predicted alternate stop codon (p.N290Tfs*14). This mutation has been identified in a prostate cancer cohort (Leongamornlert D et al. Br J Cancer, 2014 Mar;110:1663-72). This variant is considered to be rare based on population cohorts in the Genome Aggregation Database (gnomAD). In addition to the clinical data presented in the literature, this alteration is expected to result in loss of function by premature protein truncation or nonsense-mediated mRNA decay. As such, this alteration is interpreted as a disease-causing mutation.

Myriad Genetics, Inc.
Classification: Pathogenic for Familial cancer of breast. Last evaluated: 2023-06-27. Review status: criteria provided, single submitter. Criteria: Myriad Autosomal Dominant, Autosomal Recessive and X-Linked Classification Criteria (2023). Collection method: clinical testing. Allele origin: unknown.
Comment: This variant is considered pathogenic. This variant creates a frameshift predicted to result in premature protein truncation.

Literature cited by the submitters: PubMed 21876083 (cited by Labcorp Genetics (formerly Invitae), Labcorp); PubMed 24713400 (cited by Labcorp Genetics (formerly Invitae), Labcorp); PubMed 24556621 (cited by Labcorp Genetics (formerly Invitae), Labcorp and Ambry Genetics).